The following is an entry in ClinVar:

ClinVar aggregate classification (germline): Uncertain significance (1 of 4 stars; one submission).

Conditions:
Legius syndrome. Identifiers: Orphanet 137605, MedGen C1969623, MONDO:0012669, OMIM 611431. Disease mechanism: loss of function.

Submission:

Labcorp Genetics (formerly Invitae), Labcorp
Classification: Uncertain significance for Legius syndrome. Last evaluated: 2022-01-13. Review status: criteria provided, single submitter. Criteria: Invitae Variant Classification Sherloc (09022015). Collection method: clinical testing. Allele origin: germline.
Comment: This variant has not been reported in the literature in individuals affected with SPRED1-related conditions. This sequence change replaces serine, which is neutral and polar, with proline, which is neutral and non-polar, at codon 295 of the SPRED1 protein (p.Ser295Pro). This variant is not present in population databases (gnomAD no frequency). Algorithms developed to predict the effect of missense changes on protein structure and function (SIFT, PolyPhen-2, Align-GVGD) all suggest that this variant is likely to be tolerated. In summary, the available evidence is currently insufficient to determine the role of this variant in disease. Therefore, it has been classified as a Variant of Uncertain Significance.

NM_152594.3(SPRED1):c.883T>C (p.Ser295Pro)

Gene: SPRED1 (sprouty related EVH1 domain containing 1; plus strand). Cytogenetic location: 15q14.
Variant type: single nucleotide variant.
Coding change: c.883T>C on transcript NM_152594.3 (MANE Select); coding-DNA position 883, T replaced by C.
Protein change: p.Ser295Pro; replaces serine 295 with proline.
Molecular consequence: missense variant.
Genome position (GRCh38, 1-based): chr15:38,351,212, T>C. VCF-style: chr15-38351212-T-C. GRCh37 (hg19) VCF-style: chr15-38643413-T-C.
Other names: short protein forms S295P.
Identifiers: ClinVar variation 2153908 (VCV002153908.4), dbSNP rs2542742899, ClinGen allele CA391933466.